The following is an entry in ClinVar:

ClinVar aggregate classification (germline): Pathogenic (1 of 4 stars; one submission).

Conditions:
Eichsfeld type congenital muscular dystrophy (CMYO3). Also called: MYOPATHY, SEPN1-RELATED; Rigid spine muscular dystrophy 1; SELENON-related myopathy; Congenital myopathy 3 with rigid spine. Identifiers: MedGen C0410180, MONDO:0100100, OMIM 602771.

Submission:

Labcorp Genetics (formerly Invitae), Labcorp
Classification: Pathogenic for Eichsfeld type congenital muscular dystrophy. Last evaluated: 2022-10-13. Review status: criteria provided, single submitter. Criteria: Invitae Variant Classification Sherloc (09022015). Collection method: clinical testing. Allele origin: germline.
Comment: This sequence change creates a premature translational stop signal (p.Asp322Argfs*30) in the SELENON gene. It is expected to result in an absent or disrupted protein product. Loss-of-function variants in SELENON are known to be pathogenic (PMID: 21131290, 21670436). For these reasons, this variant has been classified as Pathogenic. This variant has not been reported in the literature in individuals affected with SELENON-related conditions. This variant is not present in population databases (gnomAD no frequency).

Literature cited by the submitters: PubMed 21131290; PubMed 21670436.

NM_206926.2(SELENON):c.861dup (p.Asp288fs)

Gene: SELENON (selenoprotein N; plus strand). Cytogenetic location: 1p36.11.
Variant type: Duplication.
Coding change: c.861dup on transcript NM_206926.2 (MANE Select); coding-DNA position 861, one base duplicated (A; older notation c.861dupA).
Protein change: p.Asp288fs; shifts the reading frame from aspartic acid 288.
Molecular consequence: frameshift variant.
Genome position (GRCh38, 1-based): chr1:25,809,773, A duplicated; the last of 3 consecutive A bases (chr1:25,809,771-25,809,773); duplicating any one gives the same sequence. VCF-style (leftmost placement, unchanged base first): chr1-25809770-C-CA. GRCh37 (hg19) VCF-style: chr1-26136261-C-CA.
Other names: c.963dup, p.Asp322fs (NM_020451.3); short protein forms D288fs, D322fs.
Identifiers: ClinVar variation 2001607 (VCV002001607.4), dbSNP rs2524986843, ClinGen allele CA2580062610.
Genomic context (GRCh38, chr1:25,809,770, plus strand): 5'-GCCGCCCGACTTCCCCTTTTGGTTCTCCCCTGCTCAGTTCACCGGCCACATCATCCTCTC[C>CA]AAAGACGCCACCCACGTCCGCGACTTCCGGCTCTTCGTGCCCAACCACAGGTGGGAGCTT-3'